The following is an entry in ClinVar:

ClinVar aggregate classification (germline): Uncertain significance (1 of 4 stars; one submission).

Submission:

GeneDx
Classification: Uncertain significance. Last evaluated: 2024-04-23. Review status: criteria provided, single submitter. Criteria: GeneDx Variant Classification Process June 2021. Collection method: clinical testing. Allele origin: germline.
Comment: Not observed at significant frequency in large population cohorts (gnomAD); In silico analysis supports that this missense variant has a deleterious effect on protein structure/function; Has not been previously published as pathogenic or benign to our knowledge

NM_001205293.3(CACNA1E):c.4699A>G (p.Thr1567Ala)

Gene: CACNA1E (calcium voltage-gated channel subunit alpha1 E; plus strand). Cytogenetic location: 1q25.3.
Variant type: single nucleotide variant.
Coding change: c.4699A>G on transcript NM_001205293.3 (MANE Select); coding-DNA position 4699, A replaced by G.
Protein change: p.Thr1567Ala; replaces threonine 1567 with alanine.
Molecular consequence: missense variant.
Genome position (GRCh38, 1-based): chr1:181,763,415, A>G. VCF-style: chr1-181763415-A-G. GRCh37 (hg19) VCF-style: chr1-181732551-A-G.
Other names: c.4699A>G, p.Thr1567Ala (NM_000721.4); c.4642A>G, p.Thr1548Ala (NM_001205294.2); short protein forms T1548A, T1567A.
Identifiers: ClinVar variation 2500594 (VCV002500594.2), dbSNP rs2529042065, ClinGen allele CA343626248.
Genomic context (GRCh38, chr1:181,763,415, plus strand): 5'-TTCTAAATCACCATAATGTTCCTAATTATATGTTTCCTTTTGGTCCACCAGCTGGTGAAC[A>G]CCAGTGGCTTCAATATGAGCTTTCTGAAGCTCTTCCGAGCTGCCCGCCTCATAAAGCTCC-3'
Protein context (NP_001192222.1, residues 1557-1577): IILTDSKLVN[Thr1567Ala]SGFNMSFLKL